The following is an entry in ClinVar:

ClinVar aggregate classification (germline): Uncertain significance (1 of 4 stars; one submission).

Allele frequency attached by ClinVar (database versions not stated): gnomAD 0.00001 and 0.00002; gnomAD exomes 0.00001; TOPMed 0.00003.
gnomAD v4.1: 11 of 1,595,202 alleles (0.00069%); highest among the groups gnomAD compares: Middle Eastern, 0.018%; no homozygotes.

Submission:

GeneDx
Classification: Uncertain significance. Last evaluated: 2021-06-24. Review status: criteria provided, single submitter. Criteria: GeneDx Variant Classification Process June 2021. Collection method: clinical testing. Allele origin: germline. Affected: yes.
Comment: In silico analysis supports that this missense variant does not alter protein structure/function; Has not been previously published as pathogenic or benign to our knowledge; This variant is associated with the following publications: (PMID: 27535533)

NM_018896.5(CACNA1G):c.3199C>T (p.Arg1067Cys)

Gene: CACNA1G (calcium voltage-gated channel subunit alpha1 G; plus strand). Cytogenetic location: 17q21.33.
Variant type: single nucleotide variant.
Coding change: c.3199C>T on transcript NM_018896.5 (MANE Select); coding-DNA position 3199, C replaced by T.
Protein change: p.Arg1067Cys; replaces arginine 1067 with cysteine.
Molecular consequence: missense variant. On other transcripts: non-coding transcript variant (5).
Genome position (GRCh38, 1-based): chr17:50,596,864, C>T. VCF-style: chr17-50596864-C-T. GRCh37 (hg19) VCF-style: chr17-48674225-C-T.
Other names: c.3199C>T, p.Arg1067Cys (NM_001256324.2, NM_001256325.2, NM_001256326.2 and 16 more transcripts); c.3130C>T, p.Arg1044Cys (NM_001256332.2, NM_198376.3, NM_198379.3 and 5 more transcripts); short protein forms R1044C, R1067C.
Identifiers: ClinVar variation 1304326 (VCV001304326.2), dbSNP rs760870810, ClinGen allele CA8652661.
Genomic context (GRCh38, chr17:50,596,864, plus strand): 5'-CCCATGTCGCTGCCCAAGAGCACCAGCACGGGCCTGGGCGAGGCGCTGGGCCCTGCGTCG[C>T]GCCGCACCAGCAGCAGCGGGTCGGCAGAGCCTGGGGCGGCCCACGAGATGAAGTCACCGG-3'
Protein context (NP_061496.2, residues 1057-1077): GLGEALGPAS[Arg1067Cys]RTSSSGSAEP